The following is an entry in ClinVar:

NM_182972.3(IRF2BP2):c.437_445dup (p.Pro148_Gln149insProThrPro)

Genes: IRF2BP2 (interferon regulatory factor 2 binding protein 2; minus strand), LOC129932812 (ATAC-STARR-seq lymphoblastoid silent region 1977; plus strand). Cytogenetic location: 1q42.3.
Variant type: Duplication.
Coding change: c.437_445dup on transcript NM_182972.3 (MANE Select); coding-DNA positions 437 to 445, 9 bases duplicated (CGACGCCGC; older notation c.437_445dupCGACGCCGC).
Protein change: p.Pro148_Gln149insProThrPro.
Molecular consequence: inframe insertion.
Genome position (GRCh38, 1-based): chr1:234,609,050-234,609,058, GCGGCGTCG duplicated on the plus strand (CGACGCCGC on the coding strand, the reverse complement: IRF2BP2 is on the minus strand); duplicating any 9 consecutive bases within chr1:234,609,050-234,609,063 gives the same sequence; the c. name uses the placement nearest the transcript's 3' end. VCF-style (leftmost placement, unchanged base first): chr1-234609049-T-TGCGGCGTCG. GRCh37 (hg19) VCF-style: chr1-234744795-T-TGCGGCGTCG.
Other names: c.437_445dup, p.Pro148_Gln149insProThrPro (NM_001077397.1).
Identifiers: ClinVar variation 2007287 (VCV002007287.4), dbSNP rs2528521869, ClinGen allele CA2580062345.

ClinVar aggregate classification (germline): Uncertain significance (1 of 4 stars; one submission).

Submission:

Labcorp Genetics (formerly Invitae), Labcorp
Classification: Uncertain significance. Last evaluated: 2022-06-15. Review status: criteria provided, single submitter. Criteria: Invitae Variant Classification Sherloc (09022015). Collection method: clinical testing. Allele origin: germline.
Comment: In summary, the available evidence is currently insufficient to determine the role of this variant in disease. Therefore, it has been classified as a Variant of Uncertain Significance. This variant has not been reported in the literature in individuals affected with IRF2BP2-related conditions. This variant is not present in population databases (gnomAD no frequency). This variant, c.437_445dup, results in the insertion of 3 amino acid(s) of the IRF2BP2 protein (p.Pro146_Pro148dup), but otherwise preserves the integrity of the reading frame.